The following is an entry in ClinVar:

NM_001035.3(RYR2):c.7443A>G (p.Gln2481=)

Gene: RYR2 (ryanodine receptor 2; plus strand). Cytogenetic location: 1q43.
Variant type: single nucleotide variant.
Coding change: c.7443A>G on transcript NM_001035.3 (MANE Select); coding-DNA position 7443, A replaced by G.
Protein change: p.Gln2481=; no amino-acid change (glutamine 2481 retained).
Molecular consequence: synonymous variant.
Genome position (GRCh38, 1-based): chr1:237,648,544, A>G. VCF-style: chr1-237648544-A-G. GRCh37 (hg19) VCF-style: chr1-237811844-A-G.
Other names: c.7443A>G, p.Gln2481= (LRG_402t1).
Identifiers: ClinVar variation 263777 (VCV000263777.20), dbSNP rs759314800, ClinGen allele CA087390.

ClinVar aggregate classification (germline): Conflicting classifications of pathogenicity. Review status: criteria provided, conflicting classifications (1 of 4 stars). 5 submissions from 5 submitters: Uncertain significance (1); Likely benign (4). Last evaluated 2025-12-13.

Conditions:
Cardiovascular phenotype. Identifiers: MedGen CN230736.
Catecholaminergic polymorphic ventricular tachycardia (CVPT). Also called: Catecholamine-induced polymorphic ventricular tachycardia. Identifiers: Orphanet 3286, MedGen C5574922, MONDO:0017990.
Cardiomyopathy (CMYO). Also called: Cardiomyopathies. Identifiers: Orphanet 167848, MedGen C0878544, MONDO:0004994, HP:0001638. Inheritance: Various modes of inheritance.
Catecholaminergic polymorphic ventricular tachycardia 1. Also called: VENTRICULAR TACHYCARDIA, STRESS-INDUCED POLYMORPHIC 1; VENTRICULAR TACHYCARDIA, CATECHOLAMINERGIC POLYMORPHIC, 1, WITH OR WITHOUT ATRIAL DYSFUNCTION AND/OR DILATED CARDIOMYOPATHY; RYR2-Related Catecholaminergic Polymorphic Ventricular Tachycardia. Identifiers: Orphanet 3286, MedGen C1631597, MONDO:0011484, OMIM 604772.

Allele frequency attached by ClinVar (database versions not stated): gnomAD exomes 0.00001 and 0.00002; gnomAD 0.00001 and 0.00002; ExAC 0.00004.
gnomAD v4.1: 12 of 1,611,446 alleles (0.00074%); highest among the groups gnomAD compares: East Asian, 0.018%; no homozygotes.

Submissions (5):

Labcorp Genetics (formerly Invitae), Labcorp
Classification: Likely benign for Catecholaminergic polymorphic ventricular tachycardia 1. Last evaluated: 2025-12-13. Review status: criteria provided, single submitter. Criteria: Invitae Variant Classification Sherloc (09022015). Collection method: clinical testing. Allele origin: germline.

All of Us Research Program, National Institutes of Health
Classification: Likely benign for Catecholaminergic polymorphic ventricular tachycardia. Last evaluated: 2024-09-23. Review status: criteria provided, single submitter. Criteria: ACMG Guidelines, 2015. Collection method: clinical testing. Allele origin: germline. Inheritance: Autosomal dominant inheritance. Observed: 2 variant alleles, 2 heterozygotes.
Comment: This study involves interpretation of variants in research participants for the purpose of population health screening. Participant phenotype was not available at the time of variant classification. Additional details can be found in publication PMID: 35346344, PMCID: PMC8962531

Ambry Genetics
Classification: Likely benign for Cardiovascular phenotype. Last evaluated: 2021-12-22. Review status: criteria provided, single submitter. Criteria: Ambry Variant Classification Scheme 2023. Collection method: clinical testing. Allele origin: germline.

Color Diagnostics, LLC DBA Color Health
Classification: Likely benign for Cardiomyopathy. Last evaluated: 2018-11-27. Review status: criteria provided, single submitter. Criteria: ACMG Guidelines, 2015. Collection method: clinical testing. Allele origin: germline.

CHEO Genetics Diagnostic Laboratory, Children's Hospital of Eastern Ontario
Classification: Uncertain significance for Cardiomyopathy. Last evaluated: 2015-09-21. Review status: criteria provided, single submitter. Criteria: ACMG Guidelines, 2015. Collection method: clinical testing. Allele origin: germline. Study: Canadian Open Genetics Repository.